The following is an entry in ClinVar:

ClinVar aggregate classification (germline): Uncertain significance (1 of 4 stars; one submission).

Conditions:
Combined deficiency of sialidase AND beta galactosidase (GSL). Also called: CATHEPSIN A DEFICIENCY; GOLDBERG SYNDROME; NEURAMINIDASE DEFICIENCY WITH BETA-GALACTOSIDASE DEFICIENCY; NEURAMINIDASE/BETA-GALACTOSIDASE EXPRESSION; PPCA DEFICIENCY; PROTECTIVE PROTEIN/CATHEPSIN A DEFICIENCY. Identifiers: Orphanet 351, MedGen C0268233, MONDO:0009737, OMIM 256540.

Allele frequency attached by ClinVar (database versions not stated): ExAC 0.00001; gnomAD 0.00003.
gnomAD v4.1: 8 of 1,613,990 alleles (0.0005%); highest among the groups gnomAD compares: African/African-American, 0.0053%; no homozygotes.

Submission:

Labcorp Genetics (formerly Invitae), Labcorp
Classification: Uncertain significance for Combined deficiency of sialidase AND beta galactosidase. Last evaluated: 2022-02-22. Review status: criteria provided, single submitter. Criteria: Invitae Variant Classification Sherloc (09022015). Collection method: clinical testing. Allele origin: germline.
Comment: This sequence change replaces valine, which is neutral and non-polar, with methionine, which is neutral and non-polar, at codon 207 of the CTSA protein (p.Val207Met). This variant is present in population databases (rs773522013, gnomAD 0.004%). This variant has not been reported in the literature in individuals affected with CTSA-related conditions. Algorithms developed to predict the effect of missense changes on protein structure and function output the following: SIFT: "Not Available"; PolyPhen-2: "Benign"; Align-GVGD: "Not Available". The methionine amino acid residue is found in multiple mammalian species, which suggests that this missense change does not adversely affect protein function. In summary, the available evidence is currently insufficient to determine the role of this variant in disease. Therefore, it has been classified as a Variant of Uncertain Significance.

NM_000308.4(CTSA):c.565G>A (p.Val189Met)

Gene: CTSA (cathepsin A; plus strand). Cytogenetic location: 20q13.12.
Variant type: single nucleotide variant.
Coding change: c.565G>A on transcript NM_000308.4 (MANE Select); coding-DNA position 565, G replaced by A.
Protein change: p.Val189Met; replaces valine 189 with methionine.
Molecular consequence: missense variant. On other transcripts: non-coding transcript variant (1).
Genome position (GRCh38, 1-based): chr20:45,892,845, G>A. VCF-style: chr20-45892845-G-A. GRCh37 (hg19) VCF-style: chr20-44521484-G-A.
Other names: c.565G>A, p.Val189Met (NM_001127695.3); c.514G>A, p.Val172Met (NM_001167594.3); short protein forms V189M, V172M.
Identifiers: ClinVar variation 2076145 (VCV002076145.1), dbSNP rs773522013, ClinGen allele CA9883078.